The following is an entry in ClinVar:

NM_001370466.1(NOD2):c.1502del (p.Pro501fs)

Gene: NOD2 (nucleotide binding oligomerization domain containing 2; plus strand). Cytogenetic location: 16q12.1.
Variant type: Deletion.
Coding change: c.1502del on transcript NM_001370466.1 (MANE Select); coding-DNA position 1502, one base deleted (C; older notation c.1502delC).
Protein change: p.Pro501fs; shifts the reading frame from proline 501.
Molecular consequence: frameshift variant. On other transcripts: non-coding transcript variant (1).
Genome position (GRCh38, 1-based): chr16:50,711,494, C deleted; the last of 7 consecutive C bases (chr16:50,711,488-50,711,494); deleting any one gives the same sequence. VCF-style (leftmost placement, unchanged base first): chr16-50711487-AC-A. GRCh37 (hg19) VCF-style: chr16-50745398-AC-A.
Other names: c.1502del, p.Pro501fs (NM_001293557.2); c.1583delC, p.Pro528Glnfs (NM_022162.1); c.1583del, p.Pro528fs (NM_022162.3); short protein forms P501fs, P528fs.
Identifiers: ClinVar variation 1800735 (VCV001800735.1), dbSNP rs754073471, ClinGen allele CA8051576.
Genomic context (GRCh38, chr16:50,711,487, plus strand): 5'-TCCCCAAAGACCACTACAGATATGTACCTGCTGATTCTGCAGCATTTTCTGCTGCATGCC[AC>A]CCCCCCAGACTCAGCTTCCCAAGGTCTGGGACCCAGTCTTCTTCGGGGCCGCCTCCCCAC-3'

ClinVar aggregate classification (germline): Uncertain significance (1 of 4 stars; one submission).

Submission:

GeneDx
Classification: Uncertain significance. Last evaluated: 2022-05-11. Review status: criteria provided, single submitter. Criteria: GeneDx Variant Classification Process June 2021. Collection method: clinical testing. Allele origin: germline. Affected: yes.
Comment: Frameshift variant predicted to result in protein truncation or nonsense mediated decay in a gene or region of a gene for which loss of function is not a well-established mechanism of disease; Has not been previously published as pathogenic or benign to our knowledge